The following is an entry in ClinVar:

NM_001267550.2(TTN):c.99038_99041dup (p.Ser33014delinsArgTer)

Genes: TTN-AS1 (TTN antisense RNA 1; plus strand), TTN (titin; minus strand). Cytogenetic location: 2q31.2.
Variant type: Duplication.
Coding change: c.99038_99041dup on transcript NM_001267550.2 (MANE Select); coding-DNA positions 99038 to 99041, 4 bases duplicated (ATAG; older notation c.99038_99041dupATAG).
Protein change: p.Ser33014delinsArgTer.
Molecular consequence: nonsense. On other transcripts: non-coding transcript variant (1).
Genome position (GRCh38, 1-based): chr2:178,538,788-178,538,791, CTAT duplicated on the plus strand (ATAG on the coding strand, the reverse complement: TTN is on the minus strand); duplicating any 4 consecutive bases within chr2:178,538,788-178,538,793 gives the same sequence; the c. name uses the placement nearest the transcript's 3' end. VCF-style (leftmost placement, unchanged base first): chr2-178538787-A-ACTAT. GRCh37 (hg19) VCF-style: chr2-179403514-A-ACTAT.
Other names: c.94115_94118dup, p.Ser31373delinsArgTer (NM_001256850.1); c.71843_71846dup, p.Ser23949delinsArgTer (NM_003319.4); c.91334_91337dup, p.Ser30446delinsArgTer (NM_133378.4); c.72218_72221dup, p.Ser24074delinsArgTer (NM_133432.3); c.72419_72422dup, p.Ser24141delinsArgTer (NM_133437.4).
Identifiers: ClinVar variation 2129942 (VCV002129942.4), dbSNP rs2468736700, ClinGen allele CA2580064644.

ClinVar aggregate classification (germline): Likely pathogenic (1 of 4 stars; one submission).

Conditions:
Dilated cardiomyopathy 1G (CMD1G). Identifiers: Orphanet 154, MedGen C1858763, MONDO:0011400, OMIM 604145.
Autosomal recessive limb-girdle muscular dystrophy type 2J (LGMDR10). Also called: Limb-girdle muscular dystrophy, type 2J; MUSCULAR DYSTROPHY, LIMB-GIRDLE, AUTOSOMAL RECESSIVE 10. Identifiers: Orphanet 140922, MedGen C1837342, MONDO:0012127, OMIM 608807.

Submission:

Labcorp Genetics (formerly Invitae), Labcorp
Classification: Likely pathogenic for Dilated cardiomyopathy 1G; Autosomal recessive limb-girdle muscular dystrophy type 2J. Last evaluated: 2022-11-14. Review status: criteria provided, single submitter. Criteria: Invitae Variant Classification Sherloc (09022015). Collection method: clinical testing. Allele origin: germline.
Comment: This variant is not present in population databases (gnomAD no frequency). This sequence change creates a premature translational stop signal (p.Ser33014Argfs*2) in the TTN gene. While this is not anticipated to result in nonsense mediated decay, it is expected to create a truncated TTN protein. This variant has not been reported in the literature in individuals affected with TTN-related conditions. This variant is located in the A band of TTN (PMID: 25589632). Truncating variants in this region are significantly overrepresented in patients affected with dilated cardiomyopathy (PMID: 25589632). Truncating variants in this region have also been reported in individuals affected with autosomal recessive centronuclear myopathy (PMID: 23975875). In summary, the currently available evidence indicates that the variant is pathogenic, but additional data are needed to prove that conclusively. Therefore, this variant has been classified as Likely Pathogenic.

Literature cited by the submitters: PubMed 25589632; PubMed 23975875.